The following is an entry in ClinVar:

ClinVar aggregate classification (germline): Uncertain significance (1 of 4 stars; one submission).

Conditions:
Intellectual disability, autosomal recessive 53 (NEDHSCA). Also called: NEURODEVELOPMENTAL DISORDER WITH OR WITHOUT HYPOTONIA, SEIZURES, AND CEREBELLAR ATROPHY; GLYCOSYLPHOSPHATIDYLINOSITOL BIOSYNTHESIS DEFECT 13; Mental retardation, autosomal recessive 53. Identifiers: Orphanet 488635, MedGen C4310794, MONDO:0014832, OMIM 616917.

Allele frequency attached by ClinVar (database versions not stated): gnomAD 0.00001.

Submission:

Labcorp Genetics (formerly Invitae), Labcorp
Classification: Uncertain significance for Intellectual disability, autosomal recessive 53. Last evaluated: 2018-09-06. Review status: criteria provided, single submitter. Criteria: Invitae Variant Classification Sherloc (09022015). Collection method: clinical testing. Allele origin: germline.
Comment: This sequence change replaces serine with leucine at codon 84 of the PIGG protein (p.Ser84Leu). The serine residue is moderately conserved and there is a large physicochemical difference between serine and leucine. This variant is not present in population databases (ExAC no frequency). This variant has not been reported in the literature in individuals with PIGG-related disease. Algorithms developed to predict the effect of missense changes on protein structure and function are either unavailable or do not agree on the potential impact of this missense change (SIFT: "Tolerated"; PolyPhen-2: "Possibly Damaging"; Align-GVGD: "Class C0"). In summary, the available evidence is currently insufficient to determine the role of this variant in disease. Therefore, it has been classified as a Variant of Uncertain Significance.

NM_001127178.3(PIGG):c.251C>T (p.Ser84Leu)

Gene: PIGG (phosphatidylinositol glycan anchor biosynthesis class G (EMM blood group); plus strand). Cytogenetic location: 4p16.3.
Variant type: single nucleotide variant.
Coding change: c.251C>T on transcript NM_001127178.3 (MANE Select); coding-DNA position 251, C replaced by T.
Protein change: p.Ser84Leu; replaces serine 84 with leucine.
Molecular consequence: missense variant. On other transcripts: 5 prime UTR variant (10), non-coding transcript variant (10).
Genome position (GRCh38, 1-based): chr4:500,492, C>T. VCF-style: chr4-500492-C-T. GRCh37 (hg19) VCF-style: chr4-494281-C-T.
Other names: c.-17C>T (NM_001289051.2, NM_001289053.2, NM_001289057.2 and 2 more transcripts); c.251C>T, p.Ser84Leu (NM_001289052.2, NM_001345989.2, NM_017733.5); c.-186C>T (NM_001289055.2); c.-637C>T (NM_001345988.2); c.-1375C>T (NM_001345990.2); c.-1237C>T (NM_001345991.2); c.-962C>T (NM_001345994.2); short protein forms S84L.
Identifiers: ClinVar variation 648742 (VCV000648742.9), dbSNP rs1576991286, ClinGen allele CA355891148.